The following is an entry in ClinVar:

ClinVar aggregate classification (germline): Uncertain significance. Review status: criteria provided, multiple submitters, no conflicts (2 of 4 stars). 5 submissions from 4 submitters: Uncertain significance (5). Last evaluated 2025-11-04.

Conditions:
Developmental and epileptic encephalopathy, 14 (DEE14). Also called: Early infantile epileptic encephalopathy 14. Identifiers: Orphanet 293181, MedGen C3554195, MONDO:0013989, OMIM 614959.
Autosomal dominant nocturnal frontal lobe epilepsy 5. Also called: CILIARY DYSKINESIA, PRIMARY, 28, WITHOUT SITUS INVERSUS; KCNT1-Related Epilepsy; CILIARY DYSKINESIA, PRIMARY, 28, WITH SITUS INVERSUS; Epilepsy, nocturnal frontal lobe, 5. Identifiers: Orphanet 98784, MedGen C3554306, MONDO:0014002, OMIM 615005.

Allele frequency attached by ClinVar (database versions not stated): gnomAD exomes 0.00008; gnomAD 0.00012; ESP Exome Variant Server 0.00015; TOPMed 0.00015; 1000 Genomes Project 30x 0.00047; 1000 Genomes Project 0.00060.
gnomAD v4.1: 143 of 1,604,142 alleles (0.0089%); highest among the groups gnomAD compares: South Asian, 0.011%; no homozygotes.

Submissions (5):

Labcorp Genetics (formerly Invitae), Labcorp
Classification: Uncertain significance for Autosomal dominant nocturnal frontal lobe epilepsy 5; Developmental and epileptic encephalopathy, 14. Last evaluated: 2025-11-04. Review status: criteria provided, single submitter. Criteria: Invitae Variant Classification Sherloc (09022015). Collection method: clinical testing. Allele origin: germline.
Comment: This sequence change replaces arginine, which is basic and polar, with cysteine, which is neutral and slightly polar, at codon 1200 of the KCNT1 protein (p.Arg1200Cys). This variant is present in population databases (rs372028322, gnomAD 0.04%), and has an allele count higher than expected for a pathogenic variant. This variant has not been reported in the literature in individuals affected with KCNT1-related conditions. ClinVar contains an entry for this variant (Variation ID: 279822). Invitae Evidence Modeling of protein sequence and biophysical properties (such as structural, functional, and spatial information, amino acid conservation, physicochemical variation, residue mobility, and thermodynamic stability) has been performed for this missense variant. However, the output from this modeling did not meet the statistical confidence thresholds required to predict the impact of this variant on KCNT1 protein function. In summary, the available evidence is currently insufficient to determine the role of this variant in disease. Therefore, it has been classified as a Variant of Uncertain Significance.

Genome-Nilou Lab
Classification: Uncertain significance for Developmental and epileptic encephalopathy, 14. Last evaluated: 2022-03-15. Review status: criteria provided, single submitter. Criteria: ACMG Guidelines, 2015. Collection method: clinical testing. Allele origin: germline. Affected: no.

Genome-Nilou Lab
Classification: Uncertain significance for Autosomal dominant nocturnal frontal lobe epilepsy 5. Last evaluated: 2022-03-15. Review status: criteria provided, single submitter. Criteria: ACMG Guidelines, 2015. Collection method: clinical testing. Allele origin: germline. Affected: no.

Department of Pathology and Laboratory Medicine, Sinai Health System
Classification: Uncertain significance for Developmental and epileptic encephalopathy, 14; Autosomal dominant nocturnal frontal lobe epilepsy 5. Last evaluated: 2020-06-23. Review status: criteria provided, single submitter. Criteria: ACMG Guidelines, 2015. Collection method: research. Allele origin: germline.

GeneDx
Classification: Uncertain significance. Last evaluated: 2016-07-19. Review status: criteria provided, single submitter. Criteria: GeneDx Variant Classification (06012015). Collection method: clinical testing. Allele origin: germline. Affected: yes.
Comment: The R1200C variant has not been published as a pathogenic variant, nor has it been reported as a benign variant to our knowledge. The R1200C variant is a non-conservative amino acid substitution, which is likely to impact secondary protein structure as these residues differ in polarity, charge, size and/or other properties. This substitution occurs at a position that is conserved across species and in silico analysis predicts this variant is probably damaging to the protein structure/function. However, missense variants in nearby residues have not been reported in the Human Gene Mutation Database in association with KCNT1-related disease (Stenson et al., 2014). Additionally, the R1200C variant was not observed with any significant frequency in approximately 6,500 individuals of European and African American ancestry in the NHLBI Exome Sequencing Project; but the 1000 Genomes Project reports R1200C was observed in 2/206 (1.0%) alleles from individuals of Gujarati Indian background, indicating it may be a rare (benign) variant in this population. Therefore, based on the currently available information, it is unclear whether this variant is a pathogenic variant or a rare benign variant.

NM_020822.3(KCNT1):c.3598C>T (p.Arg1200Cys)

Gene: KCNT1 (potassium sodium-activated channel subfamily T member 1; plus strand). Cytogenetic location: 9q34.3.
Variant type: single nucleotide variant.
Coding change: c.3598C>T on transcript NM_020822.3 (MANE Select); coding-DNA position 3598, C replaced by T.
Protein change: p.Arg1200Cys; replaces arginine 1200 with cysteine.
Molecular consequence: missense variant.
Genome position (GRCh38, 1-based): chr9:135,792,051, C>T. VCF-style: chr9-135792051-C-T. GRCh37 (hg19) VCF-style: chr9-138683897-C-T.
Other names: c.3526C>T, p.Arg1176Cys (NM_001272003.2); short protein forms R1200C, R1176C.
Identifiers: ClinVar variation 279822 (VCV000279822.10), dbSNP rs372028322, ClinGen allele CA5327992.
Genomic context (GRCh38, chr9:135,792,051, plus strand): 5'-GGGGCTGCCCGGCCCACATCCACTCCAGGGTCCTCTGTGCCCTCCCGCAGCTATCTCATC[C>T]GCTCCGACCCCCTGGCTCACGTGGCCAGCAGCTCCCAGAGCCGGAAGAGCAGCTGCAGCC-3'
Protein context (NP_065873.2, residues 1190-1210): LEPSDIVYLI[Arg1200Cys]SDPLAHVASS